The following is an entry in ClinVar:

ClinVar aggregate classification (germline): Uncertain significance. Review status: criteria provided, multiple submitters, no conflicts (2 of 4 stars). 4 submissions from 4 submitters: Uncertain significance (4). Last evaluated 2025-03-03.

Conditions:
Familial thoracic aortic aneurysm and aortic dissection (TAAD). Also called: Thoracic aortic aneurysms and dissections. Identifiers: Orphanet 91387, MedGen C4707243, MONDO:0019625.
Ehlers-Danlos syndrome, type 4 (EDSVASC). Also called: Ehlers-Danlos syndrome vascular type; Ehlers Danlos syndrome, ecchymotic type; Ehlers Danlos syndrome, arterial type; Ehlers Danlos syndrome, Sack-Barabas type; Ehlers-Danlos Syndrome Type IV. Identifiers: Orphanet 286, MedGen C0268338, MONDO:0017314, OMIM 130050.

Submissions (4):

Color Diagnostics, LLC DBA Color Health
Classification: Uncertain significance for Familial thoracic aortic aneurysm and aortic dissection. Last evaluated: 2025-03-03. Review status: criteria provided, single submitter. Criteria: ACMG Guidelines, 2015. Collection method: clinical testing. Allele origin: germline.
Comment: This missense variant replaces proline with serine at codon 1052 of the COL3A1 protein. Computational prediction is inconclusive regarding the impact of this variant on protein structure and function (internally defined REVEL score threshold 0.5 < inconclusive < 0.7, PMID: 27666373). To our knowledge, functional studies have not been reported for this variant. This variant has not been reported in individuals affected with COL3A1-related disorders in the literature. This variant has not been identified in the general population by the Genome Aggregation Database (gnomAD). The available evidence is insufficient to determine the role of this variant in disease conclusively. Therefore, this variant is classified as a Variant of Uncertain Significance.

Labcorp Genetics (formerly Invitae), Labcorp
Classification: Uncertain significance for Ehlers-Danlos syndrome, type 4. Last evaluated: 2024-12-04. Review status: criteria provided, single submitter. Criteria: Invitae Variant Classification Sherloc (09022015). Collection method: clinical testing. Allele origin: germline.
Comment: This sequence change replaces proline, which is neutral and non-polar, with serine, which is neutral and polar, at codon 1052 of the COL3A1 protein (p.Pro1052Ser). This variant is not present in population databases (gnomAD no frequency). This variant has not been reported in the literature in individuals affected with COL3A1-related conditions. ClinVar contains an entry for this variant (Variation ID: 1366157). Invitae Evidence Modeling of protein sequence and biophysical properties (such as structural, functional, and spatial information, amino acid conservation, physicochemical variation, residue mobility, and thermodynamic stability) indicates that this missense variant is not expected to disrupt COL3A1 protein function with a negative predictive value of 95%. In summary, the available evidence is currently insufficient to determine the role of this variant in disease. Therefore, it has been classified as a Variant of Uncertain Significance.

All of Us Research Program, National Institutes of Health
Classification: Uncertain significance for Ehlers-Danlos syndrome, type 4. Last evaluated: 2023-10-02. Review status: criteria provided, single submitter. Criteria: ACMG Guidelines, 2015. Collection method: clinical testing. Allele origin: germline. Inheritance: Autosomal dominant inheritance. Observed: 1 variant allele, 1 heterozygote.
Comment: This missense variant replaces proline with serine at codon 1052 of the COL3A1 protein. Computational prediction is inconclusive regarding the impact of this variant on protein structure and function (internally defined REVEL score threshold 0.5 < inconclusive < 0.7, PMID: 27666373). To our knowledge, functional studies have not been reported for this variant. This variant has not been reported in individuals affected with COL3A1-related disorders in the literature. This variant has not been identified in the general population by the Genome Aggregation Database (gnomAD). The available evidence is insufficient to determine the role of this variant in disease conclusively. Therefore, this variant is classified as a Variant of Uncertain Significance.

This study involves interpretation of variants in research participants for the purpose of population health screening. Participant phenotype was not available at the time of variant classification. Additional details can be found in publication PMID: 35346344, PMCID: PMC8962531

Ambry Genetics
Classification: Uncertain significance for Familial thoracic aortic aneurysm and aortic dissection. Last evaluated: 2023-04-25. Review status: criteria provided, single submitter. Criteria: Ambry Variant Classification Scheme 2023. Collection method: clinical testing. Allele origin: germline.
Comment: The c.3154C>T (p.P1052S) alteration is located in exon 43 (coding exon 43) of the COL3A1 gene. This alteration results from a C to T substitution at nucleotide position 3154, causing the proline (P) at amino acid position 1052 to be replaced by a serine (S). This variant was not reported in population-based cohorts in the Genome Aggregation Database (gnomAD). This amino acid position is not well conserved in available vertebrate species. This alteration is predicted to be tolerated by in silico analysis. Based on insufficient or conflicting evidence, the clinical significance of this alteration remains unclear.

NM_000090.4(COL3A1):c.3154C>T (p.Pro1052Ser)

Gene: COL3A1 (collagen type III alpha 1 chain; plus strand). Cytogenetic location: 2q32.2.
Variant type: single nucleotide variant.
Coding change: c.3154C>T on transcript NM_000090.4 (MANE Select); coding-DNA position 3154, C replaced by T.
Protein change: p.Pro1052Ser; replaces proline 1052 with serine.
Molecular consequence: missense variant.
Genome position (GRCh38, 1-based): chr2:189,006,405, C>T. VCF-style: chr2-189006405-C-T. GRCh37 (hg19) VCF-style: chr2-189871131-C-T.
Other names: c.3154C>T (NM_000090.3); short protein forms P1052S.
Identifiers: ClinVar variation 1366157 (VCV001366157.11), dbSNP rs2153503729, ClinGen allele CA349845121.